The following is an entry in ClinVar:

NM_014495.4(ANGPTL3):c.636A>C (p.Thr212=)

Genes: ANGPTL3 (angiopoietin like 3; plus strand), DOCK7 (dedicator of cytokinesis 7; minus strand). Cytogenetic location: 1p31.3.
Variant type: single nucleotide variant.
Coding change: c.636A>C on transcript NM_014495.4 (MANE Select); coding-DNA position 636, A replaced by C.
Protein change: p.Thr212=; no amino-acid change (threonine 212 retained).
Molecular consequence: synonymous variant. On other transcripts: intron variant (7).
Genome position (GRCh38, 1-based): chr1:62,601,111, A>C. VCF-style: chr1-62601111-A-C. GRCh37 (hg19) VCF-style: chr1-63066782-A-C.
Other names: c.1683-14487T>G (NM_001272001.2, NM_001272000.2, NM_033407.4 and 4 more transcripts).
Identifiers: ClinVar variation 4873390 (VCV004873390.2).

ClinVar aggregate classification (germline): Likely benign (1 of 4 stars; one submission).

gnomAD v4.1: 50 of 1,607,832 alleles (0.0031%); highest among the groups gnomAD compares: Non-Finnish European, 0.0042%; no homozygotes.

Submission:

CeGaT Center for Human Genetics Tuebingen
Classification: Likely benign. Last evaluated: 2026-04-01. Review status: criteria provided, single submitter. Criteria: CeGaT Center For Human Genetics Tuebingen Variant Classification Criteria Version 2. Collection method: clinical testing. Allele origin: germline. Affected: yes. Observed: 1 variant allele.
Comment: ANGPTL3: BP4, BP7